The following is an entry in ClinVar:

ClinVar aggregate classification (germline): Uncertain significance (1 of 4 stars; one submission).

gnomAD v4.1: 3 of 1,614,030 alleles (0.00019%); highest among the groups gnomAD compares: Non-Finnish European, 0.00017%; no homozygotes.

Submission:

Labcorp Genetics (formerly Invitae), Labcorp
Classification: Uncertain significance. Last evaluated: 2024-11-18. Review status: criteria provided, single submitter. Criteria: Invitae Variant Classification Sherloc (09022015). Collection method: clinical testing. Allele origin: germline.
Comment: This sequence change replaces glutamine, which is neutral and polar, with lysine, which is basic and polar, at codon 3840 of the DNAH9 protein (p.Gln3840Lys). This variant is not present in population databases (gnomAD no frequency). This variant has not been reported in the literature in individuals affected with DNAH9-related conditions. Invitae Evidence Modeling of protein sequence and biophysical properties (such as structural, functional, and spatial information, amino acid conservation, physicochemical variation, residue mobility, and thermodynamic stability) indicates that this missense variant is not expected to disrupt DNAH9 protein function with a negative predictive value of 80%. In summary, the available evidence is currently insufficient to determine the role of this variant in disease. Therefore, it has been classified as a Variant of Uncertain Significance.

NM_001372.4(DNAH9):c.11518C>A (p.Gln3840Lys)

Gene: DNAH9 (dynein axonemal heavy chain 9; plus strand). Cytogenetic location: 17p12.
Variant type: single nucleotide variant.
Coding change: c.11518C>A on transcript NM_001372.4 (MANE Select); coding-DNA position 11518, C replaced by A.
Protein change: p.Gln3840Lys; replaces glutamine 3840 with lysine.
Molecular consequence: missense variant.
Genome position (GRCh38, 1-based): chr17:11,902,830, C>A. VCF-style: chr17-11902830-C-A. GRCh37 (hg19) VCF-style: chr17-11806147-C-A.
Other names: c.454C>A, p.Gln152Lys (NM_004662.2); short protein forms Q3840K, Q152K.
Identifiers: ClinVar variation 3675333 (VCV003675333.2).